The following is an entry in ClinVar:

NM_198253.3(TERT):c.799G>C (p.Asp267His)

Gene: TERT (telomerase reverse transcriptase; minus strand). Cytogenetic location: 5p15.33.
Variant type: single nucleotide variant.
Coding change: c.799G>C on transcript NM_198253.3 (MANE Select); coding-DNA position 799, G replaced by C.
Protein change: p.Asp267His; replaces aspartic acid 267 with histidine.
Molecular consequence: missense variant. On other transcripts: non-coding transcript variant (2).
Genome position (GRCh38, 1-based): chr5:1,294,087, C>G on the plus strand (G>C on the coding strand, the complement: TERT is on the minus strand). VCF-style: chr5-1294087-C-G. GRCh37 (hg19) VCF-style: chr5-1294202-C-G.
Other names: c.799G>C, p.Asp267His (NM_001193376.3, NM_003219.1); short protein forms D267H.
Identifiers: ClinVar variation 2679145 (VCV002679145.2), dbSNP rs2126687735, ClinGen allele CA359056749.

ClinVar aggregate classification (germline): Uncertain significance. Review status: criteria provided, multiple submitters, no conflicts (2 of 4 stars). 2 submissions from 2 submitters: Uncertain significance (2). Last evaluated 2023-11-25.

Conditions:
Dyskeratosis congenita, autosomal dominant 2. Identifiers: MedGen C3151443, MONDO:0013521, OMIM 613989.

Submissions (2):

GeneDx
Classification: Uncertain significance. Last evaluated: 2023-11-25. Review status: criteria provided, single submitter. Criteria: GeneDx Variant Classification Process June 2021. Collection method: clinical testing. Allele origin: germline. Affected: yes.
Comment: Not observed at significant frequency in large population cohorts (gnomAD); In silico analysis supports that this missense variant does not alter protein structure/function; Has not been previously published as pathogenic or benign to our knowledge

Baylor Genetics
Classification: Uncertain significance for Dyskeratosis congenita, autosomal dominant 2. Last evaluated: 2023-06-09. Review status: criteria provided, single submitter. Criteria: ACMG Guidelines, 2015. Collection method: clinical testing. Allele origin: unknown.